The following is an entry in ClinVar:

ClinVar aggregate classification (germline): Benign/Likely benign. Review status: criteria provided, multiple submitters, no conflicts (2 of 4 stars). 4 submissions from 4 submitters: Benign (1); Likely benign (2). 1 of the submissions does not count toward it. Last evaluated 2025-11-25.

Conditions:
G6PD-related disorder. Also called: G6PD-related condition.
Anemia, nonspherocytic hemolytic, due to G6PD deficiency (CNSHA1). Also called: Hemolytic anemia due to G6PD deficiency; Class I glucose-6-phosphate dehydrogenase deficiency; Favism, susceptibility to; ANEMIA, CONGENITAL, NONSPHEROCYTIC HEMOLYTIC, 1. Identifiers: Orphanet 466026, MedGen C2720289, MONDO:0010480, OMIM 300908.

Allele frequency attached by ClinVar (database versions not stated): gnomAD 0.00081 and 0.00078; 1000 Genomes Project 30x 0.00083; TOPMed 0.00009; gnomAD exomes 0.00059 and 0.00143; ESP Exome Variant Server 0.00028; 1000 Genomes Project 0.00106; ExAC 0.00122.
gnomAD v4.1: 738 of 1,210,402 alleles (0.061%); highest among the groups gnomAD compares: Non-Finnish European, 0.02%; 4 homozygotes.

Submissions (4):

Labcorp Genetics (formerly Invitae), Labcorp
Classification: Benign for Anemia, nonspherocytic hemolytic, due to G6PD deficiency. Last evaluated: 2025-11-25. Review status: criteria provided, single submitter. Criteria: Invitae Variant Classification Sherloc (09022015). Collection method: clinical testing. Allele origin: germline.

Blueprint Genetics
Classification: Likely benign. Last evaluated: 2024-11-25. Review status: criteria provided, single submitter. Criteria: ACMG Guidelines, 2015. Collection method: clinical testing. Allele origin: germline.

Dunham Lab, University of Washington
Classification: Likely benign for Anemia, nonspherocytic hemolytic, due to G6PD deficiency. Last evaluated: 2022-08-12. Review status: criteria provided, single submitter. Criteria: Bayesian ACMG Guidelines, 2018. Collection method: curation. Allele origin: unknown.
Comment: SIFT predicts to be tolerated (0.62), PolyPhen2 benign (0.016) (BP4). Interpreted as benign by Invitae (BP6). Post_P 0.0122 (odds of pathogenicity 0.111, Prior_P 0.1).

PreventionGenetics, part of Exact Sciences
Classification: Likely benign for G6PD-related condition. Last evaluated: 2021-06-01. Review status: no assertion criteria provided. Collection method: clinical testing. Allele origin: germline. Not counted in ClinVar's aggregate classification.
Comment: This variant is classified as likely benign based on ACMG/AMP sequence variant interpretation guidelines (Richards et al. 2015 PMID: 25741868, with internal and published modifications).

Literature cited by the submitters: PubMed 29396846 (cited by Dunham Lab, University of Washington).

NM_001360016.2(G6PD):c.311G>A (p.Arg104His)

Gene: G6PD (glucose-6-phosphate dehydrogenase; minus strand). Cytogenetic location: Xq28.
Variant type: single nucleotide variant.
Coding change: c.311G>A on transcript NM_001360016.2 (MANE Select); coding-DNA position 311, G replaced by A.
Protein change: p.Arg104His; replaces arginine 104 with histidine.
Molecular consequence: missense variant.
Genome position (GRCh38, 1-based): chrX:154,535,342, C>T on the plus strand (G>A on the coding strand, the complement: G6PD is on the minus strand). VCF-style: chrX-154535342-C-T. GRCh37 (hg19) VCF-style: chrX-153763557-C-T.
Other names: c.401G>A, p.Arg134His (NM_000402.4); c.311G>A, p.Arg104His (NM_001042351.3); short protein forms R104H, R134H.
Identifiers: ClinVar variation 759406 (VCV000759406.15), dbSNP rs181277621, ClinGen allele CA10566267.